The following is an entry in ClinVar:

NM_000525.4(KCNJ11):c.794G>T (p.Ser265Ile)

Gene: KCNJ11 (potassium inwardly rectifying channel subfamily J member 11; minus strand). Cytogenetic location: 11p15.1.
Variant type: single nucleotide variant.
Coding change: c.794G>T on transcript NM_000525.4 (MANE Select); coding-DNA position 794, G replaced by T.
Protein change: p.Ser265Ile; replaces serine 265 with isoleucine.
Molecular consequence: missense variant.
Genome position (GRCh38, 1-based): chr11:17,387,298, C>A on the plus strand (G>T on the coding strand, the complement: KCNJ11 is on the minus strand). VCF-style: chr11-17387298-C-A. GRCh37 (hg19) VCF-style: chr11-17408845-C-A.
Other names: c.533G>T, p.Ser178Ile (NM_001166290.2, NM_001377296.1, NM_001377297.1); short protein forms S265I, S178I.
Identifiers: ClinVar variation 549538 (VCV000549538.4), dbSNP rs1437510576, ClinGen allele CA379770671.

ClinVar aggregate classification (germline): Uncertain significance. Review status: criteria provided, multiple submitters, no conflicts (2 of 4 stars). 3 submissions from 3 submitters: Uncertain significance (3). Last evaluated 2022-11-20.

Conditions:
KCNJ11-related disorder. Also called: KCNJ11-related disorders; KCNJ11-related condition.
Monogenic diabetes. Identifiers: Orphanet 183625, MedGen C3888631, MONDO:0015967.
Hyperinsulinemia. Also called: Hyperinsulinism. Identifiers: MedGen C0020459, MONDO:0002177, HP:0000842.

Allele frequency attached by ClinVar (database versions not stated): gnomAD exomes below 0.00001; TOPMed below 0.00001.
gnomAD v4.1: 5 of 1,613,960 alleles (0.00031%); highest among the groups gnomAD compares: Non-Finnish European, 0.00042%; no homozygotes.

Submissions (3):

PreventionGenetics, part of Exact Sciences
Classification: Uncertain significance for KCNJ11-related condition. Last evaluated: 2022-11-20. Review status: criteria provided, single submitter. Criteria: ACMG Guidelines, 2015. Collection method: clinical testing. Allele origin: germline.
Comment: The KCNJ11 c.794G>T variant is predicted to result in the amino acid substitution p.Ser265Ile. This variant was reported as a variant of uncertain significance in a patient with hyperinsulinism. It was reported to have been inherited from the patient's unaffected father (De Franco et al. 2020. PubMed ID: 32027066). This variant is reported in 0.00088% of alleles in individuals of European (Non-Finnish) descent in gnomAD. At this time, the clinical significance of this variant is uncertain due to the absence of conclusive functional and genetic evidence.

Personalized Diabetes Medicine Program, University of Maryland School of Medicine
Classification: Uncertain significance for Monogenic diabetes. Last evaluated: 2016-11-18. Review status: criteria provided, single submitter. Criteria: ACMG Guidelines, 2015. Collection method: research. Allele origin: unknown. Observed: 1 variant allele, 1 heterozygote. Study: Personalized Diabetes Medicine Program.
Comment: ACMG Criteria:PP3, PM2 (NOTE:one European non-Finish in Gnomad)

Clinical Genomics, Uppaluri K&H Personalized Medicine Clinic
Classification: Uncertain significance for Hyperinsulinemia. Review status: criteria provided, single submitter. Criteria: K&H Uppaluri Personalized Medicine Clinic Variant Classification & Assertion Criteria. Collection method: research. Allele origin: somatic. Inheritance: Autosomal dominant inheritance.
Comment: Pathogenic variants in KCNJ11 gene can cause decreased production and secretion of insulin. This can lead to MODY which may be responsive to oral sulfonylureas. They are also associated with Neonatal diabetes. However, the significance of S265I (rs1437510576) remains uncertain.

Literature cited by the submitters: PubMed 32027066 (cited by Clinical Genomics, Uppaluri K&H Personalized Medicine Clinic).